The following is an entry in ClinVar:

ClinVar aggregate classification (germline): Benign. Review status: criteria provided, multiple submitters, no conflicts (2 of 4 stars). 3 submissions from 3 submitters: Benign (2). 1 of the submissions does not count toward it. Last evaluated 2026-01-09.

Conditions:
SETD5-related disorder. Also called: SETD5-related disorders; SETD5-related condition.

Allele frequency attached by ClinVar (database versions not stated): gnomAD exomes 0.00007 and 0.00023; ESP Exome Variant Server 0.00016; ExAC 0.00027; gnomAD 0.00035; TOPMed 0.00039; 1000 Genomes Project 30x 0.00078; 1000 Genomes Project 0.00100.
gnomAD v4.1: 152 of 1,613,894 alleles (0.0094%); highest among the groups gnomAD compares: African/African-American, 0.13%; no homozygotes.

Submissions (3):

Labcorp Genetics (formerly Invitae), Labcorp
Classification: Benign. Last evaluated: 2026-01-09. Review status: criteria provided, single submitter. Criteria: Invitae Variant Classification Sherloc (09022015). Collection method: clinical testing. Allele origin: germline.

GeneDx
Classification: Benign. Last evaluated: 2021-09-22. Review status: criteria provided, single submitter. Criteria: GeneDx Variant Classification Process June 2021. Collection method: clinical testing. Allele origin: germline. Affected: yes.

PreventionGenetics, part of Exact Sciences
Classification: Likely benign for SETD5-related condition. Last evaluated: 2023-12-27. Review status: no assertion criteria provided. Collection method: clinical testing. Allele origin: germline. Not counted in ClinVar's aggregate classification.
Comment: This variant is classified as likely benign based on ACMG/AMP sequence variant interpretation guidelines (Richards et al. 2015 PMID: 25741868, with internal and published modifications).

NM_001080517.3(SETD5):c.959+9G>A

Gene: SETD5 (SET domain containing 5; plus strand). Cytogenetic location: 3p25.3.
Variant type: single nucleotide variant.
Coding change: c.959+9G>A on transcript NM_001080517.3 (MANE Select); 9 bases into the intron after coding-DNA position 959, G replaced by A.
Molecular consequence: intron variant.
Genome position (GRCh38, 1-based): chr3:9,441,750, G>A. VCF-style: chr3-9441750-G-A. GRCh37 (hg19) VCF-style: chr3-9483434-G-A.
Other names: c.665+9G>A (NM_001349451.2, NM_001292043.2).
Identifiers: ClinVar variation 787252 (VCV000787252.12), dbSNP rs145218854, ClinGen allele CA2239043.
Genomic context (GRCh38, chr3:9,441,750, plus strand): 5'-GGAAAGTCATGTTACGACAGCAATTTGAGGTCAATGGGCATTTCTTCAAAAAGTAAGAAC[G>A]TCATTCATTGAGCAGTGAGGGCTAAGGTGGACCTGGTTGACCAGTGTTGTTGTAAAAATC-3'